The following is an entry in ClinVar:

NM_198578.4(LRRK2):c.959-5T>C

Gene: LRRK2 (leucine rich repeat kinase 2; plus strand). Cytogenetic location: 12q12.
Variant type: single nucleotide variant.
Coding change: c.959-5T>C on transcript NM_198578.4 (MANE Select); 5 bases into the intron before coding-DNA position 959, T replaced by C.
Molecular consequence: intron variant.
Genome position (GRCh38, 1-based): chr12:40,251,227, T>C. VCF-style: chr12-40251227-T-C. GRCh37 (hg19) VCF-style: chr12-40645029-T-C.
Identifiers: ClinVar variation 1513173 (VCV001513173.7), dbSNP rs202079711, ClinGen allele CA6513251.

ClinVar aggregate classification (germline): Likely benign. Review status: criteria provided, multiple submitters, no conflicts (2 of 4 stars). 2 submissions from 2 submitters: Likely benign (2). Last evaluated 2026-07-01.

Conditions:
Autosomal dominant Parkinson disease 8. Also called: Parkinson disease 8, susceptibility to; LRRK2-Related Parkinson Disease; Parkinson disease 8. Identifiers: Orphanet 411602, MedGen C1846862, MONDO:0011764, OMIM 607060.

Allele frequency attached by ClinVar (database versions not stated): gnomAD 0.00001; gnomAD exomes 0.00002; TOPMed 0.00002; ExAC 0.00012.
gnomAD v4.1: 28 of 1,547,218 alleles (0.0018%); highest among the groups gnomAD compares: Middle Eastern, 0.05%; no homozygotes.

Submissions (2):

CeGaT Center for Human Genetics Tuebingen
Classification: Likely benign. Last evaluated: 2026-07-01. Review status: criteria provided, single submitter. Criteria: CeGaT Center For Human Genetics Tuebingen Variant Classification Criteria Version 2. Collection method: clinical testing. Allele origin: germline. Affected: yes. Observed: 1 variant allele.
Comment: LRRK2: BP4

Labcorp Genetics (formerly Invitae), Labcorp
Classification: Likely benign for Autosomal dominant Parkinson disease 8. Last evaluated: 2022-07-06. Review status: criteria provided, single submitter. Criteria: Invitae Variant Classification Sherloc (09022015). Collection method: clinical testing. Allele origin: germline.